The following is an entry in ClinVar:

ClinVar aggregate classification (germline): Pathogenic. Review status: criteria provided, multiple submitters, no conflicts (2 of 4 stars). 13 submissions from 12 submitters: Pathogenic (12). 1 of the submissions does not count toward it. Last evaluated 2025-09-09.

Conditions:
PEX26-related disorder. Also called: PEX26-related condition.
Peroxisome biogenesis disorder 7A (Zellweger). Also called: Peroxisome biogenesis disorder 7A. Identifiers: Orphanet 912, MedGen C3888385, MONDO:0013938, OMIM 614872.
Peroxisome biogenesis disorder 7B (PBD7B). Identifiers: Orphanet 44, MedGen C3553951, MONDO:0013939, OMIM 614873.
Peroxisome biogenesis disorder. Identifiers: Orphanet 79189, MedGen C1832200, MONDO:0019234. Disease mechanism: loss of function.

Submissions (13):

Labcorp Genetics (formerly Invitae), Labcorp
Classification: Pathogenic for Peroxisome biogenesis disorder 7A (Zellweger); Peroxisome biogenesis disorder 7B. Last evaluated: 2025-09-09. Review status: criteria provided, single submitter. Criteria: Invitae Variant Classification Sherloc (09022015). Collection method: clinical testing. Allele origin: germline.
Comment: This sequence change creates a premature translational stop signal (p.Leu12Profs*103) in the PEX26 gene. It is expected to result in an absent or disrupted protein product. Loss-of-function variants in PEX26 are known to be pathogenic (PMID: 12851857, 21031596). The frequency data for this variant in the population databases is considered unreliable, as metrics indicate poor data quality at this position in the gnomAD database. This premature translational stop signal has been observed in individual(s) with Zellweger syndrome (PMID: 12851857). This variant is also known as T35insC. ClinVar contains an entry for this variant (Variation ID: 2154). For these reasons, this variant has been classified as Pathogenic.

Revvity Omics, Revvity
Classification: Pathogenic. Last evaluated: 2024-10-25. Review status: criteria provided, single submitter. Criteria: ACMG Guidelines, 2015. Collection method: clinical testing. Allele origin: germline.

Baylor Genetics
Classification: Pathogenic for Peroxisome biogenesis disorder 7A (Zellweger). Last evaluated: 2024-03-19. Review status: criteria provided, single submitter. Criteria: ACMG Guidelines, 2015. Collection method: clinical testing. Allele origin: unknown.

Fulgent Genetics
Classification: Pathogenic for Peroxisome biogenesis disorder 7A (Zellweger); Peroxisome biogenesis disorder 7B. Last evaluated: 2024-03-15. Review status: criteria provided, single submitter. Criteria: ACMG Guidelines, 2015. Collection method: clinical testing. Allele origin: germline.

Blueprint Genetics
Classification: Pathogenic for PEX26-related disorders. Last evaluated: 2024-03-01. Review status: criteria provided, single submitter. Criteria: ACMG Guidelines, 2015. Collection method: clinical testing. Allele origin: germline. Affected: yes. Observed: 5 variant alleles.

GeneDx
Classification: Pathogenic. Last evaluated: 2022-05-14. Review status: criteria provided, single submitter. Criteria: GeneDx Variant Classification Process June 2021. Collection method: clinical testing. Allele origin: germline. Affected: yes.
Comment: Published functional studies demonstrate significantly reduced catalase activity and defective peroxisomal localization (Furuki S et al., 2006); Frameshift variant predicted to result in protein truncation or nonsense mediated decay in a gene for which loss-of-function is a known mechanism of disease; Not observed at significant frequency in large population cohorts (gnomAD); This variant is associated with the following publications: (PMID: 16257970, 12851857)

Centre for Mendelian Genomics, University Medical Centre Ljubljana
Classification: Pathogenic for Peroxisome biogenesis disorder 7B. Last evaluated: 2018-12-05. Review status: criteria provided, single submitter. Criteria: ACMG Guidelines, 2015. Collection method: clinical testing. Allele origin: unknown. Affected: yes.
Comment: This variant was classified as: Pathogenic. The following ACMG criteria were applied in classifying this variant: PVS1,PM2,PP5.

HudsonAlpha Institute for Biotechnology
Classification: Pathogenic for Peroxisome biogenesis disorder 7A (Zellweger). Last evaluated: 2018-11-27. Review status: criteria provided, single submitter. Criteria: ACMG Guidelines, 2015. Collection method: research. Allele origin: inherited. Affected: yes. Observed: 1 variant allele. Study: CSER-SouthSeq.
Comment: ACMG codes: PVS1, PM2, PP4, PP5

Women's Health and Genetics/Laboratory Corporation of America, LabCorp
Classification: Pathogenic for Peroxisome biogenesis disorders, Zellweger syndrome spectrum. Last evaluated: 2018-10-04. Review status: criteria provided, single submitter. Criteria: LabCorp Variant Classification Summary - May 2015. Collection method: clinical testing. Allele origin: germline.
Comment: Variant summary: PEX26 c.34dupC (p.Leu12ProfsX103) results in a premature termination codon, predicted to cause a truncation of the encoded protein or absence of the protein due to nonsense mediated decay, which are commonly known mechanisms for disease. The variant allele was found at a frequency of 3.9e-05 in 206458 control chromosomes (gnomAD). c.34dupC has been reported in the literature in individuals affected with Zellweger Syndrome (Ebberink 2010, Matsumoto 2003). These data indicate that the variant is likely to be associated with disease. Functional studies indicate the variant impedes peroxisomal localization, catalase import, stability and binding to the Pex6p and Pex1p proteins (Furuki 2006). Two ClinVar submissions from clinical diagnostic laboratories (evaluation after 2014) cite the variant as pathogenic. Based on the evidence outlined above, the variant was classified as pathogenic.

Genomic Research Center, Shahid Beheshti University of Medical Sciences
Classification: Pathogenic for Peroxisome biogenesis disorder 7A (Zellweger). Last evaluated: 2018-03-05. Review status: criteria provided, single submitter. Criteria: ACMG Guidelines, 2015. Collection method: clinical testing. Allele origin: inherited. Affected: yes. Observed: 1 variant allele.

Genomic Research Center, Shahid Beheshti University of Medical Sciences
Classification: Pathogenic for Peroxisome biogenesis disorder 7B. Last evaluated: 2018-03-05. Review status: criteria provided, single submitter. Criteria: ACMG Guidelines, 2015. Collection method: clinical testing. Allele origin: inherited. Affected: yes. Observed: 1 variant allele.

Eurofins Ntd Llc (ga)
Classification: Pathogenic. Last evaluated: 2017-03-07. Review status: criteria provided, single submitter. Criteria: EGL Classification Definitions 2015. Collection method: clinical testing. Allele origin: germline. Observed: 1 variant allele, 1 homozygote.

OMIM
Classification: Pathogenic for PEROXISOME BIOGENESIS DISORDER 7A (ZELLWEGER). Last evaluated: 2003-08-01. Review status: no assertion criteria provided. Collection method: literature only. Allele origin: germline. Not counted in ClinVar's aggregate classification.

Literature cited by the submitters: PubMed 12851857 (cited by 3 submitters); PubMed 21031596 (cited by Labcorp Genetics (formerly Invitae), Labcorp); PubMed 19877282 (cited by Women's Health and Genetics/Laboratory Corporation of America, LabCorp); PubMed 16257970 (cited by Women's Health and Genetics/Laboratory Corporation of America, LabCorp).

NM_001127649.3(PEX26):c.34dup (p.Leu12fs)

Gene: PEX26 (peroxisomal biogenesis factor 26; plus strand). Cytogenetic location: 22q11.21.
Variant type: Duplication.
Coding change: c.34dup on transcript NM_001127649.3 (MANE Select); coding-DNA position 34, one base duplicated (C; older notation c.34dupC).
Protein change: p.Leu12fs; shifts the reading frame from leucine 12.
Molecular consequence: frameshift variant.
Genome position (GRCh38, 1-based): chr22:18,078,410, C duplicated; the last of 6 consecutive C bases (chr22:18,078,405-18,078,410); duplicating any one gives the same sequence. VCF-style (leftmost placement, unchanged base first): chr22-18078404-G-GC. GRCh37 (hg19) VCF-style: chr22-18561170-G-GC.
Other names: c.29dupC (NM_017929.5); c.34dupC (NM_017929.5); c.34dup, p.Leu12fs (NM_001199319.2, NM_017929.6); short protein forms L12fs.
Identifiers: ClinVar variation 2154 (VCV000002154.27), dbSNP rs61752129, ClinGen allele CA115371.